The following is an entry in ClinVar:

ClinVar aggregate classification (germline): Likely benign. Review status: criteria provided, multiple submitters, no conflicts (2 of 4 stars). 2 submissions from 2 submitters: Likely benign (2). Last evaluated 2025-12-30.

Conditions:
Adams-Oliver syndrome 5 (AOS5). Identifiers: Orphanet 974, MedGen C4014970, MONDO:0014459, OMIM 616028.

Allele frequency attached by ClinVar (database versions not stated): TOPMed 0.00001; gnomAD exomes 0.00003 and 0.00005; ExAC 0.00008; ESP Exome Variant Server 0.00009.
gnomAD v4.1: 34 of 1,269,948 alleles (0.0027%); highest among the groups gnomAD compares: Admixed American, 0.014%; no homozygotes.

Submissions (2):

Labcorp Genetics (formerly Invitae), Labcorp
Classification: Likely benign for Adams-Oliver syndrome 5. Last evaluated: 2025-12-30. Review status: criteria provided, single submitter. Criteria: Invitae Variant Classification Sherloc (09022015). Collection method: clinical testing. Allele origin: germline.

GeneDx
Classification: Likely benign. Last evaluated: 2018-01-26. Review status: criteria provided, single submitter. Criteria: GeneDx Variant Classification (06012015). Collection method: clinical testing. Allele origin: germline. Affected: yes.
Comment: This variant is considered likely benign or benign based on one or more of the following criteria: it is a conservative change, it occurs at a poorly conserved position in the protein, it is predicted to be benign by multiple in silico algorithms, and/or has population frequency not consistent with disease.

NM_017617.5(NOTCH1):c.6181-15G>A

Gene: NOTCH1 (notch receptor 1; minus strand). Cytogenetic location: 9q34.3.
Variant type: single nucleotide variant.
Coding change: c.6181-15G>A on transcript NM_017617.5 (MANE Select); 15 bases into the intron before coding-DNA position 6181, G replaced by A.
Molecular consequence: intron variant.
Genome position (GRCh38, 1-based): chr9:136,497,573, C>T on the plus strand (G>A on the coding strand, the complement: NOTCH1 is on the minus strand). VCF-style: chr9-136497573-C-T. GRCh37 (hg19) VCF-style: chr9-139392025-C-T.
Other names: c.6181-15G>A (LRG_1122t1).
Identifiers: ClinVar variation 515131 (VCV000515131.5), dbSNP rs375436198, ClinGen allele CA5339972.